The following is an entry in ClinVar:

NM_006939.4(SOS2):c.2668-4T>C

Gene: SOS2 (SOS Ras/Rho guanine nucleotide exchange factor 2; minus strand). Cytogenetic location: 14q21.3.
Variant type: single nucleotide variant.
Coding change: c.2668-4T>C on transcript NM_006939.4 (MANE Select); 4 bases into the intron before coding-DNA position 2668, T replaced by C.
Molecular consequence: intron variant.
Genome position (GRCh38, 1-based): chr14:50,140,063, A>G on the plus strand (T>C on the coding strand, the complement: SOS2 is on the minus strand). VCF-style: chr14-50140063-A-G. GRCh37 (hg19) VCF-style: chr14-50606781-A-G.
Other names: c.2668-4T>C (NM_006939.3).
Identifiers: ClinVar variation 784768 (VCV000784768.11), dbSNP rs763298498, ClinGen allele CA7176969.
Genomic context (GRCh38, chr14:50,140,063, plus strand): 5'-ATCTTGACTTAATTCCACAGCTTCGTCCAAAATTTTCCTTTTCCTTTCCTGCAGTGCCTT[A>G]AAGTATACATAAATTGAGTATAAATTTTTTACAATTCAATCATATTTTATAAATGCAAAC-3'

ClinVar aggregate classification (germline): Benign/Likely benign. Review status: criteria provided, multiple submitters, no conflicts (2 of 4 stars). 3 submissions from 3 submitters: Benign (1); Likely benign (1). 1 of the submissions does not count toward it. Last evaluated 2025-11-19.

Conditions:
SOS2-related disorder. Also called: SOS2-related condition.
Noonan syndrome 9 (NS9). Identifiers: Orphanet 648, MedGen C4225282, MONDO:0014691, OMIM 616559.

Allele frequency attached by ClinVar (database versions not stated): gnomAD 0.00003; gnomAD exomes 0.00004 and 0.00008; ExAC 0.00006; TOPMed 0.00008.
gnomAD v4.1: 47 of 1,316,120 alleles (0.0036%); highest among the groups gnomAD compares: East Asian, 0.081%; no homozygotes.

Submissions (3):

Labcorp Genetics (formerly Invitae), Labcorp
Classification: Benign for Noonan syndrome 9. Last evaluated: 2025-11-19. Review status: criteria provided, single submitter. Criteria: Invitae Variant Classification Sherloc (09022015). Collection method: clinical testing. Allele origin: germline.

Laboratory of Genetics, Children's Clinical University Hospital Latvia
Classification: Likely benign. Last evaluated: 2025-02-16. Review status: criteria provided, single submitter. Criteria: ACMG Guidelines, 2015. Collection method: clinical testing. Allele origin: germline. Affected: yes.

PreventionGenetics, part of Exact Sciences
Classification: Likely benign for SOS2-related condition. Last evaluated: 2021-01-13. Review status: no assertion criteria provided. Collection method: clinical testing. Allele origin: germline. Not counted in ClinVar's aggregate classification.
Comment: This variant is classified as likely benign based on ACMG/AMP sequence variant interpretation guidelines (Richards et al. 2015 PMID: 25741868, with internal and published modifications).